The following is an entry in ClinVar:

ClinVar aggregate classification (germline): Likely benign (1 of 4 stars; one submission).

Submission:

CeGaT Center for Human Genetics Tuebingen
Classification: Likely benign. Last evaluated: 2023-04-01. Review status: criteria provided, single submitter. Criteria: CeGaT Center For Human Genetics Tuebingen Variant Classification Criteria Version 2. Collection method: clinical testing. Allele origin: germline. Affected: yes. Observed: 3 variant alleles.
Comment: HYDIN: BP4, BP7

NM_001270974.2(HYDIN):c.9483G>A (p.Ala3161=)

Gene: HYDIN (HYDIN axonemal central pair apparatus protein; minus strand). Cytogenetic location: 16q22.2.
Variant type: single nucleotide variant.
Coding change: c.9483G>A on transcript NM_001270974.2 (MANE Select); coding-DNA position 9483, G replaced by A.
Protein change: p.Ala3161=; no amino-acid change (alanine 3161 retained).
Molecular consequence: synonymous variant.
Genome position (GRCh38, 1-based): chr16:70,891,819, C>T on the plus strand (G>A on the coding strand, the complement: HYDIN is on the minus strand). VCF-style: chr16-70891819-C-T. GRCh37 (hg19) VCF-style: chr16-70925722-C-T.
Identifiers: ClinVar variation 2646725 (VCV002646725.24), dbSNP rs1482757556, ClinGen allele CA496237629.